The following is an entry in ClinVar:

ClinVar aggregate classification (germline): Conflicting classifications of pathogenicity. Review status: criteria provided, conflicting classifications (1 of 4 stars). 6 submissions from 6 submitters: Uncertain significance (5); Likely benign (1). Last evaluated 2025-09-19.

Conditions:
Cardiovascular phenotype. Identifiers: MedGen CN230736.
Dilated cardiomyopathy 1JJ (CMD1JJ). Identifiers: Orphanet 154, MedGen C3808935, MONDO:0014095, OMIM 615235.

Allele frequency attached by ClinVar (database versions not stated): gnomAD exomes 0.00002 and 0.00003; ESP Exome Variant Server 0.00008; gnomAD 0.00015; 1000 Genomes Project 0.00020; TOPMed 0.00022; 1000 Genomes Project 30x 0.00016; ExAC 0.00007.
gnomAD v4.1: 56 of 1,614,180 alleles (0.0035%); highest among the groups gnomAD compares: Admixed American, 0.033%; no homozygotes.

Submissions (6):

Labcorp Genetics (formerly Invitae), Labcorp
Classification: Uncertain significance for Dilated cardiomyopathy 1JJ. Last evaluated: 2025-09-19. Review status: criteria provided, single submitter. Criteria: Invitae Variant Classification Sherloc (09022015). Collection method: clinical testing. Allele origin: germline.
Comment: This sequence change replaces arginine, which is basic and polar, with histidine, which is basic and polar, at codon 426 of the LAMA4 protein (p.Arg426His). This variant is present in population databases (rs369658574, gnomAD 0.006%). This variant has not been reported in the literature in individuals affected with LAMA4-related conditions. ClinVar contains an entry for this variant (Variation ID: 44341). Invitae Evidence Modeling of protein sequence and biophysical properties (such as structural, functional, and spatial information, amino acid conservation, physicochemical variation, residue mobility, and thermodynamic stability) indicates that this missense variant is not expected to disrupt LAMA4 protein function with a negative predictive value of 80%. In summary, the available evidence is currently insufficient to determine the role of this variant in disease. Therefore, it has been classified as a Variant of Uncertain Significance.

Women's Health and Genetics/Laboratory Corporation of America, LabCorp
Classification: Uncertain significance. Last evaluated: 2025-06-23. Review status: criteria provided, single submitter. Criteria: LabCorp Variant Classification Summary - May 2015. Collection method: clinical testing. Allele origin: germline.
Comment: Variant summary: LAMA4 c.1298G>A (p.Arg433His) results in a non-conservative amino acid change in the encoded protein sequence. Algorithms developed to predict the effect of missense changes on protein structure and function are either unavailable or do not agree on the potential impact of this missense change. The variant allele was found at a frequency of 2.8e-05 in 251386 control chromosomes. The available data on variant occurrences in the general population are insufficient to allow any conclusion about variant significance. To our knowledge, no occurrence of c.1298G>A in individuals affected with Cardiomyopathy and no experimental evidence demonstrating its impact on protein function have been reported. ClinVar contains an entry for this variant (Variation ID: 44341). Based on the evidence outlined above, the variant was classified as uncertain significance.

Ambry Genetics
Classification: Likely benign for Cardiovascular phenotype. Last evaluated: 2024-10-11. Review status: criteria provided, single submitter. Criteria: Ambry Variant Classification Scheme 2023. Collection method: clinical testing. Allele origin: germline.

Fulgent Genetics
Classification: Uncertain significance for Dilated cardiomyopathy 1JJ. Last evaluated: 2018-10-31. Review status: criteria provided, single submitter. Criteria: ACMG Guidelines, 2015. Collection method: clinical testing. Allele origin: unknown.

GeneDx
Classification: Uncertain significance. Last evaluated: 2018-02-21. Review status: criteria provided, single submitter. Criteria: GeneDx Variant Classification (06012015). Collection method: clinical testing. Allele origin: germline. Affected: yes.
Comment: The R426H variant of uncertain significance in the LAMA4 gene has not been published as pathogenic or been reported as benign in association with cardiac disease to our knowledge. This variant is observed 0.003%-0.006% alleles from individuals across ethnic groups in large population cohorts (Lek et al., 2016). The R426H variant is a conservative amino acid substitution, which is not likely to impact secondary protein structure as these residues share similar properties. Finally, in-silico analyses, including protein predictors and evolutionary conservation, support a deleterious effect. Thus, this variant lacks observation in a significant number of affected individuals, segregation data, and functional evidence, which would further clarify its pathogenicity. Therefore, based on the currently available information, it is unclear whether this variant is pathogenic or rare benign.

Laboratory for Molecular Medicine, Mass General Brigham Personalized Medicine
Classification: Uncertain significance. Last evaluated: 2015-05-01. Review status: criteria provided, single submitter. Criteria: LMM Criteria. Collection method: clinical testing. Allele origin: germline. Observed: 2 variant alleles.
Comment: It has also been id entified in 8/121406 multi-ethnic chromosomes by the Exome Aggregation Consortiu m (ExAC; dbSNP rrs369658574). Computational pred iction tools and conservation analysis do not provide strong support for or agai nst an impact to the protein. In summary, the clinical significance of the p.Arg 426His variant is uncertain

Literature cited by the submitters: PubMed 21822268 (cited by Laboratory for Molecular Medicine, Mass General Brigham Personalized Medicine); PubMed 24121792 (cited by Laboratory for Molecular Medicine, Mass General Brigham Personalized Medicine).

NM_001105206.3(LAMA4):c.1298G>A (p.Arg433His)

Gene: LAMA4 (laminin subunit alpha 4; minus strand). Cytogenetic location: 6q21.
Variant type: single nucleotide variant.
Coding change: c.1298G>A on transcript NM_001105206.3 (MANE Select); coding-DNA position 1298, G replaced by A.
Protein change: p.Arg433His; replaces arginine 433 with histidine.
Molecular consequence: missense variant.
Genome position (GRCh38, 1-based): chr6:112,175,372, C>T on the plus strand (G>A on the coding strand, the complement: LAMA4 is on the minus strand). VCF-style: chr6-112175372-C-T. GRCh37 (hg19) VCF-style: chr6-112496574-C-T.
Other names: p.R426H:CGT>CAT; c.1277G>A, p.Arg426His (NM_001105207.3, NM_002290.5); short protein forms R426H, R433H.
Identifiers: ClinVar variation 44341 (VCV000044341.15), dbSNP rs369658574, ClinGen allele CA282357.